The following is an entry in ClinVar:

ClinVar aggregate classification (germline): Uncertain significance (1 of 4 stars; one submission).

Conditions:
Dilated cardiomyopathy 1G (CMD1G). Identifiers: Orphanet 154, MedGen C1858763, MONDO:0011400, OMIM 604145.
Autosomal recessive limb-girdle muscular dystrophy type 2J (LGMDR10). Also called: Limb-girdle muscular dystrophy, type 2J; MUSCULAR DYSTROPHY, LIMB-GIRDLE, AUTOSOMAL RECESSIVE 10. Identifiers: Orphanet 140922, MedGen C1837342, MONDO:0012127, OMIM 608807.

Allele frequency attached by ClinVar (database versions not stated): gnomAD exomes 0.00001.
gnomAD v4.1: 4 of 1,613,046 alleles (0.00025%); highest among the groups gnomAD compares: South Asian, 0.0033%; no homozygotes.

Submission:

Labcorp Genetics (formerly Invitae), Labcorp
Classification: Uncertain significance for Dilated cardiomyopathy 1G; Autosomal recessive limb-girdle muscular dystrophy type 2J. Last evaluated: 2024-07-25. Review status: criteria provided, single submitter. Criteria: Invitae Variant Classification Sherloc (09022015). Collection method: clinical testing. Allele origin: germline.
Comment: This sequence change replaces leucine, which is neutral and non-polar, with isoleucine, which is neutral and non-polar, at codon 35720 of the TTN protein (p.Leu35720Ile). This variant is not present in population databases (gnomAD no frequency). This variant has not been reported in the literature in individuals affected with TTN-related conditions. Experimental studies and prediction algorithms are not available or were not evaluated, and the functional significance of this variant is currently unknown. This variant is located in the M band of TTN (PMID: 25589632). Non-truncating variants in this region may be relevant for neuromuscular disorders, but have not been definitively shown to cause cardiomyopathy (PMID: 23975875). In summary, the available evidence is currently insufficient to determine the role of this variant in disease. Therefore, it has been classified as a Variant of Uncertain Significance.

Literature cited by the submitters: PubMed 25589632; PubMed 23975875.

NM_001267550.2(TTN):c.107158C>A (p.Leu35720Ile)

Genes: TTN (titin; minus strand), TTN-AS1 (TTN antisense RNA 1; plus strand). Cytogenetic location: 2q31.2.
Variant type: single nucleotide variant.
Coding change: c.107158C>A on transcript NM_001267550.2 (MANE Select); coding-DNA position 107158, C replaced by A.
Protein change: p.Leu35720Ile; replaces leucine 35720 with isoleucine.
Molecular consequence: missense variant.
Genome position (GRCh38, 1-based): chr2:178,528,593, G>T on the plus strand (C>A on the coding strand, the complement: TTN is on the minus strand). VCF-style: chr2-178528593-G-T. GRCh37 (hg19) VCF-style: chr2-179393320-G-T.
Other names: c.102235C>A, p.Leu34079Ile (NM_001256850.1); c.79963C>A, p.Leu26655Ile (NM_003319.4); c.99454C>A, p.Leu33152Ile (NM_133378.4); c.80338C>A, p.Leu26780Ile (NM_133432.3); c.80539C>A, p.Leu26847Ile (NM_133437.4); short protein forms L26847I, L26655I, L26780I, L35720I, L33152I, L34079I.
Identifiers: ClinVar variation 2927360 (VCV002927360.3), dbSNP rs2468294113, ClinGen allele CA349401715.